The following is an entry in ClinVar:

ClinVar aggregate classification (germline): Uncertain significance (1 of 4 stars; one submission).

Allele frequency attached by ClinVar (database versions not stated): gnomAD exomes below 0.00001 and 0.00002; gnomAD 0.00001; ExAC 0.00002; TOPMed 0.00002; ESP Exome Variant Server 0.00015.
gnomAD v4.1: 6 of 1,612,192 alleles (0.00037%); highest among the groups gnomAD compares: Middle Eastern, 0.016%; no homozygotes.

Submission:

Center for Pediatric Genomic Medicine, Children's Mercy Hospital and Clinics
Classification: Uncertain significance. Last evaluated: 2017-02-06. Review status: criteria provided, single submitter. Criteria: ACMG Guidelines, 2015. Collection method: clinical testing. Allele origin: germline.
ClinVar note: Converted during submission from Uncertain Significance to Uncertain significance.

NM_004715.5(CTDP1):c.1609G>A (p.Glu537Lys)

Gene: CTDP1 (CTD phosphatase subunit 1; plus strand). Cytogenetic location: 18q23.
Variant type: single nucleotide variant.
Coding change: c.1609G>A on transcript NM_004715.5 (MANE Select); coding-DNA position 1609, G replaced by A.
Protein change: p.Glu537Lys; replaces glutamic acid 537 with lysine.
Molecular consequence: missense variant.
Genome position (GRCh38, 1-based): chr18:79,715,069, G>A. VCF-style: chr18-79715069-G-A. GRCh37 (hg19) VCF-style: chr18-77475069-G-A.
Other names: c.1252G>A, p.Glu418Lys (NM_001202504.1); c.1609G>A, p.Glu537Lys (NM_001318511.2, NM_048368.4); short protein forms E537K, E418K.
Identifiers: ClinVar variation 377343 (VCV000377343.3), dbSNP rs146547758, ClinGen allele CA9010346.
Genomic context (GRCh38, chr18:79,715,069, plus strand): 5'-GCCGAGCCTGGCGCGCATGCCCCGGACAAGGAGCCTGAGCTGGGTGGGCAGGAGGAGGGC[G>A]AGCGGGATGGCCTCTGCGGCCTGGGCAACGGCTGTGCCGACAGGAAGGAGGCGGAGACCG-3'
Protein context (NP_004706.3, residues 527-547): EPELGGQEEG[Glu537Lys]RDGLCGLGNG